The following is an entry in ClinVar:

NM_002878.4(RAD51D):c.108G>A (p.Leu36=)

Genes: RAD51D (RAD51 paralog D; minus strand), RAD51L3-RFFL (RAD51L3-RFFL readthrough; minus strand). Cytogenetic location: 17q12.
Variant type: single nucleotide variant.
Coding change: c.108G>A on transcript NM_002878.4 (MANE Select); coding-DNA position 108, G replaced by A.
Protein change: p.Leu36=; no amino-acid change (leucine 36 retained).
Molecular consequence: synonymous variant. On other transcripts: non-coding transcript variant (2).
Genome position (GRCh38, 1-based): chr17:35,119,147, C>T on the plus strand (G>A on the coding strand, the complement: RAD51D is on the minus strand). VCF-style: chr17-35119147-C-T. GRCh37 (hg19) VCF-style: chr17-33446166-C-T.
Other names: c.108G>A, p.Leu36= (NM_001142571.2, NM_133629.3).
Identifiers: ClinVar variation 185380 (VCV000185380.23), dbSNP rs755962971, ClinGen allele CA191771.
Genomic context (GRCh38, chr17:35,119,147, plus strand): 5'-GGAATGTGGAGATCAGGAGCTCACCTTGTAAGACAAGCCACATTTCTGAGCTACCTCTTC[C>T]AGGTCTGCAGAAACCAGGTCCACCACTGAAAACAAAACACGTATAGCGGATTGGCAGAGA-3'
Protein context (NP_002869.3, residues 26-46): KTVVDLVSAD[Leu36=]EEVAQKCGLS

ClinVar aggregate classification (germline): Conflicting classifications of pathogenicity. Review status: criteria provided, conflicting classifications (1 of 4 stars). 7 submissions from 7 submitters: Uncertain significance (1); Benign (1); Likely benign (4). 1 of the submissions does not count toward it. Last evaluated 2026-01-22.

Conditions:
RAD51D-related disorder. Also called: RAD51D-related condition.
Hereditary cancer-predisposing syndrome. Also called: Hereditary neoplastic syndrome; Neoplastic Syndromes, Hereditary; Tumor predisposition; Hereditary Cancer Syndrome. Identifiers: Orphanet 140162, MedGen C0027672, MeSH D009386, MONDO:0015356.
Breast-ovarian cancer, familial, susceptibility to, 4. Identifiers: Orphanet 145, MedGen C3280345, MONDO:0013669, OMIM 614291.

Allele frequency attached by ClinVar (database versions not stated): gnomAD exomes 0.00001; TOPMed 0.00001; ExAC 0.00002.
gnomAD v4.1: 9 of 1,614,064 alleles (0.00056%); highest among the groups gnomAD compares: East Asian, 0.018%; no homozygotes.

Submissions (7):

Labcorp Genetics (formerly Invitae), Labcorp
Classification: Likely benign for Breast-ovarian cancer, familial, susceptibility to, 4. Last evaluated: 2026-01-22. Review status: criteria provided, single submitter. Criteria: Invitae Variant Classification Sherloc (09022015). Collection method: clinical testing. Allele origin: germline.

Myriad Genetics, Inc.
Classification: Benign for Breast-ovarian cancer, familial, susceptibility to, 4. Last evaluated: 2025-02-20. Review status: criteria provided, single submitter. Criteria: Myriad Autosomal Dominant, Autosomal Recessive and X-Linked Classification Criteria (2023). Collection method: clinical testing. Allele origin: unknown.
Comment: This variant is considered benign. This variant is a silent/synonymous amino acid change and it is not expected to impact splicing.

GeneDx
Classification: Uncertain significance. Last evaluated: 2024-11-24. Review status: criteria provided, single submitter. Criteria: GeneDx Variant Classification Process June 2021. Collection method: clinical testing. Allele origin: germline. Affected: yes.
Comment: Not observed at significant frequency in large population cohorts (gnomAD); In silico analysis indicates that this variant does not alter splicing; Has not been previously published as pathogenic or benign to our knowledge

Women's Health and Genetics/Laboratory Corporation of America, LabCorp
Classification: Likely benign. Last evaluated: 2024-09-03. Review status: criteria provided, single submitter. Criteria: LabCorp Variant Classification Summary - May 2015. Collection method: clinical testing. Allele origin: germline.

Color Diagnostics, LLC DBA Color Health
Classification: Likely benign for Hereditary cancer-predisposing syndrome. Last evaluated: 2018-06-26. Review status: criteria provided, single submitter. Criteria: ACMG Guidelines, 2015. Collection method: clinical testing. Allele origin: germline.

Ambry Genetics
Classification: Likely benign for Hereditary cancer-predisposing syndrome. Last evaluated: 2014-06-19. Review status: criteria provided, single submitter. Criteria: Ambry Variant Classification Scheme 2023. Collection method: clinical testing. Allele origin: germline.

PreventionGenetics, part of Exact Sciences
Classification: Likely benign for RAD51D-related condition. Last evaluated: 2021-12-17. Review status: no assertion criteria provided. Collection method: clinical testing. Allele origin: germline. Not counted in ClinVar's aggregate classification.
Comment: This variant is classified as likely benign based on ACMG/AMP sequence variant interpretation guidelines (Richards et al. 2015 PMID: 25741868, with internal and published modifications).